The following is an entry in ClinVar:

NM_182699.4(DDX53):c.490G>A (p.Glu164Lys)

Genes: DDX53 (DEAD-box helicase 53; plus strand), PTCHD1-AS (PTCHD1 antisense RNA (head to head); minus strand). Cytogenetic location: Xp22.11.
Variant type: single nucleotide variant.
Coding change: c.490G>A on transcript NM_182699.4 (MANE Select); coding-DNA position 490, G replaced by A.
Protein change: p.Glu164Lys; replaces glutamic acid 164 with lysine.
Molecular consequence: missense variant.
Genome position (GRCh38, 1-based): chrX:23,000,547, G>A. VCF-style: chrX-23000547-G-A. GRCh37 (hg19) VCF-style: chrX-23018664-G-A.
Other names: short protein forms E164K.
Identifiers: ClinVar variation 717072 (VCV000717072.6), dbSNP rs143131443, ClinGen allele CA10368752.

ClinVar aggregate classification (germline): Likely benign. Review status: criteria provided, single submitter (1 of 4 stars). 2 submissions from 2 submitters: Likely benign (1). 1 of the submissions does not count toward it. Last evaluated 2019-12-31.

Conditions:
DDX53-related disorder. Also called: DDX53-related condition.

Allele frequency attached by ClinVar (database versions not stated): 1000 Genomes Project 30x 0.00042; 1000 Genomes Project 0.00053; ExAC 0.00061; gnomAD exomes 0.00064 and 0.00128; TOPMed 0.00072; gnomAD 0.00082 and 0.00084; ESP Exome Variant Server 0.00133.
gnomAD v4.1: 1,493 of 1,209,165 alleles (0.12%); highest among the groups gnomAD compares: Non-Finnish European, 0.15%; 2 homozygotes.

Submissions (2):

Labcorp Genetics (formerly Invitae), Labcorp
Classification: Likely benign. Last evaluated: 2019-12-31. Review status: criteria provided, single submitter. Criteria: Invitae Variant Classification Sherloc (09022015). Collection method: clinical testing. Allele origin: germline.

PreventionGenetics, part of Exact Sciences
Classification: Likely benign for DDX53-related condition. Last evaluated: 2023-07-30. Review status: no assertion criteria provided. Collection method: clinical testing. Allele origin: germline. Not counted in ClinVar's aggregate classification.
Comment: This variant is classified as likely benign based on ACMG/AMP sequence variant interpretation guidelines (Richards et al. 2015 PMID: 25741868, with internal and published modifications).